The following is an entry in ClinVar:

NM_000687.4(AHCY):c.1001G>A (p.Arg334His)

Gene: AHCY (adenosylhomocysteinase; minus strand). Cytogenetic location: 20q11.22.
Variant type: single nucleotide variant.
Coding change: c.1001G>A on transcript NM_000687.4 (MANE Select); coding-DNA position 1001, G replaced by A.
Protein change: p.Arg334His; replaces arginine 334 with histidine.
Molecular consequence: missense variant.
Genome position (GRCh38, 1-based): chr20:34,285,606, C>T on the plus strand (G>A on the coding strand, the complement: AHCY is on the minus strand). VCF-style: chr20-34285606-C-T. GRCh37 (hg19) VCF-style: chr20-32873412-C-T.
Other names: c.917G>A, p.Arg306His (NM_001161766.2, NM_001322084.2, NM_001322085.2); c.1007G>A, p.Arg336His (NM_001322086.2); c.1001G>A, p.Arg334His (NM_001362750.2); c.1001G>A (NM_000687.2); short protein forms R336H, R306H, R334H.
Identifiers: ClinVar variation 1045453 (VCV001045453.6), dbSNP rs201871637, ClinGen allele CA9820802.
Genomic context (GRCh38, chr20:34,285,606, plus strand): 5'-GGGTGGCCCATGGCACAACCCAGGTTGACCAGCCGACCCTCGGCCAGCAGGATGATGCGG[C>T]GCCCATTCTTCAACCGATACCGGTCCACCTACACGCAGGCAGGGCAACAGTGAAGGCAGG-3'
Protein context (NP_000678.1, residues 324-344): QVDRYRLKNG[Arg334His]RIILLAEGRL

ClinVar aggregate classification (germline): Conflicting classifications of pathogenicity. Review status: criteria provided, conflicting classifications (1 of 4 stars). 2 submissions from 2 submitters: Uncertain significance (1); Likely benign (1). Last evaluated 2024-11-13.

Conditions:
Inborn genetic diseases. Identifiers: MedGen C0950123, MeSH D030342.
Hypermethioninemia with deficiency of S-adenosylhomocysteine hydrolase. Identifiers: Orphanet 88618, MedGen C3151058, MONDO:0013404, OMIM 613752.

Allele frequency attached by ClinVar (database versions not stated): ExAC 0.00004; gnomAD exomes 0.00004; 1000 Genomes Project 0.00020; gnomAD 0.00025 and 0.00026; 1000 Genomes Project 30x 0.00031; TOPMed 0.00061.
gnomAD v4.1: 114 of 1,613,836 alleles (0.0071%); highest among the groups gnomAD compares: Admixed American, 0.087%; no homozygotes.

Submissions (2):

Ambry Genetics
Classification: Likely benign for Inborn genetic diseases. Last evaluated: 2024-11-13. Review status: criteria provided, single submitter. Criteria: Ambry Variant Classification Scheme 2023. Collection method: clinical testing. Allele origin: germline.

Labcorp Genetics (formerly Invitae), Labcorp
Classification: Uncertain significance for Hypermethioninemia with deficiency of S-adenosylhomocysteine hydrolase. Last evaluated: 2024-01-24. Review status: criteria provided, single submitter. Criteria: Invitae Variant Classification Sherloc (09022015). Collection method: clinical testing. Allele origin: germline.
Comment: This sequence change replaces arginine, which is basic and polar, with histidine, which is basic and polar, at codon 334 of the AHCY protein (p.Arg334His). This variant is present in population databases (rs201871637, gnomAD 0.01%). This variant has not been reported in the literature in individuals affected with AHCY-related conditions. ClinVar contains an entry for this variant (Variation ID: 1045453). Advanced modeling of protein sequence and biophysical properties (such as structural, functional, and spatial information, amino acid conservation, physicochemical variation, residue mobility, and thermodynamic stability) performed at Invitae indicates that this missense variant is not expected to disrupt AHCY protein function with a negative predictive value of 80%. In summary, the available evidence is currently insufficient to determine the role of this variant in disease. Therefore, it has been classified as a Variant of Uncertain Significance.